The following is an entry in ClinVar:

NM_015213.4(DENND5A):c.2525T>C (p.Ile842Thr)

Gene: DENND5A (DENN domain containing 5A; minus strand). Cytogenetic location: 11p15.4.
Variant type: single nucleotide variant.
Coding change: c.2525T>C on transcript NM_015213.4 (MANE Select); coding-DNA position 2525, T replaced by C.
Protein change: p.Ile842Thr; replaces isoleucine 842 with threonine.
Molecular consequence: missense variant. On other transcripts: non-coding transcript variant (1).
Genome position (GRCh38, 1-based): chr11:9,150,761, A>G on the plus strand (T>C on the coding strand, the complement: DENND5A is on the minus strand). VCF-style: chr11-9150761-A-G. GRCh37 (hg19) VCF-style: chr11-9172308-A-G.
Other names: c.2525T>C, p.Ile842Thr (NM_001243254.2, NM_001348748.1); c.2453T>C, p.Ile818Thr (NM_001348749.2); c.2237T>C, p.Ile746Thr (NM_001348750.2); short protein forms I842T, I818T, I746T.
Identifiers: ClinVar variation 2009002 (VCV002009002.1), dbSNP rs1847588661, ClinGen allele CA379605964.

ClinVar aggregate classification (germline): Uncertain significance (1 of 4 stars; one submission).

Allele frequency attached by ClinVar (database versions not stated): gnomAD exomes below 0.00001.
gnomAD v4.1: 2 of 1,610,542 alleles (0.00012%); highest among the groups gnomAD compares: African/African-American, 0.0027%; no homozygotes.

Submission:

Labcorp Genetics (formerly Invitae), Labcorp
Classification: Uncertain significance. Last evaluated: 2022-06-22. Review status: criteria provided, single submitter. Criteria: Invitae Variant Classification Sherloc (09022015). Collection method: clinical testing. Allele origin: germline.
Comment: This sequence change replaces isoleucine, which is neutral and non-polar, with threonine, which is neutral and polar, at codon 842 of the DENND5A protein (p.Ile842Thr). This variant is not present in population databases (gnomAD no frequency). This variant has not been reported in the literature in individuals affected with DENND5A-related conditions. Algorithms developed to predict the effect of missense changes on protein structure and function (SIFT, PolyPhen-2, Align-GVGD) all suggest that this variant is likely to be tolerated. In summary, the available evidence is currently insufficient to determine the role of this variant in disease. Therefore, it has been classified as a Variant of Uncertain Significance.